The following is an entry in ClinVar:

NM_001723.7(DST):c.4526A>T (p.His1509Leu)

Gene: DST (dystonin; minus strand). Cytogenetic location: 6p12.1.
Variant type: single nucleotide variant.
Coding change: c.4526A>T on transcript NM_001723.7 (MANE Plus Clinical); coding-DNA position 4526, A replaced by T.
Protein change: p.His1509Leu; replaces histidine 1509 with leucine.
Molecular consequence: missense variant. On other transcripts: intron variant (10).
Genome position (GRCh38, 1-based): chr6:56,619,508, T>A on the plus strand (A>T on the coding strand, the complement: DST is on the minus strand). VCF-style: chr6-56619508-T-A. GRCh37 (hg19) VCF-style: chr6-56484306-T-A.
Other names: c.4830+5022A>T (NM_001144769.5); c.4929+5022A>T (NM_001374722.1, NM_001374736.1); c.4956+5022A>T (NM_001374734.1); c.4416+5022A>T (NM_001144770.2); c.4296+5022A>T (NM_001374730.1, NM_001386100.1, NM_183380.4 and 1 more transcripts); c.3318+5022A>T (NM_015548.5); short protein forms H1509L.
Identifiers: ClinVar variation 2928237 (VCV002928237.3), dbSNP rs749968180, ClinGen allele CA364569479.
Genomic context (GRCh38, chr6:56,619,508, plus strand): 5'-TGATCTGATTTTCTCTGGCAGATTTGTAGTCTTTCTAATTCTTTCTCATCTCGAAAAGAA[T>A]GAATTTGTGAATTTAAATGCTGAATATTCTTCTCAGCTACAGCATGTGCCCTTGTGATTC-3'
Protein context (NP_001714.1, residues 1499-1519): KNIQHLNSQI[His1509Leu]SFRDEKELER

ClinVar aggregate classification (germline): Uncertain significance (1 of 4 stars; one submission).

Conditions:
Hereditary sensory and autonomic neuropathy type 6. Also called: HSAN VI; Neuropathy, hereditary sensory and autonomic, type VI. Identifiers: Orphanet 314381, MedGen C3539003, MONDO:0013839, OMIM 614653.
Epidermolysis bullosa simplex 3, localized or generalized intermediate, with BP230 deficiency (EBS3). Also called: Epidermolysis bullosa simplex, autosomal recessive 2; Epidermolysis bullosa simplex due to BP230 deficiency. Identifiers: Orphanet 412181, MedGen C3809470, MONDO:0014180, OMIM 615425.

Submission:

Labcorp Genetics (formerly Invitae), Labcorp
Classification: Uncertain significance for Epidermolysis bullosa simplex 3, localized or generalized intermediate, with BP230 deficiency; Hereditary sensory and autonomic neuropathy type 6. Last evaluated: 2023-01-20. Review status: criteria provided, single submitter. Criteria: Invitae Variant Classification Sherloc (09022015). Collection method: clinical testing. Allele origin: germline.
Comment: In summary, the available evidence is currently insufficient to determine the role of this variant in disease. Therefore, it has been classified as a Variant of Uncertain Significance. Algorithms developed to predict the effect of missense changes on protein structure and function are either unavailable or do not agree on the potential impact of this missense change (SIFT: "Tolerated"; PolyPhen-2: "Benign"; Align-GVGD: "Class C35"). This variant has not been reported in the literature in individuals affected with DST-related conditions. This variant is not present in population databases (gnomAD no frequency). This sequence change replaces histidine, which is basic and polar, with leucine, which is neutral and non-polar, at codon 1509 of the DST protein (p.His1509Leu).